The following is an entry in ClinVar:

NM_000393.5(COL5A2):c.2819C>A (p.Pro940His)

Gene: COL5A2 (collagen type V alpha 2 chain; minus strand). Cytogenetic location: 2q32.2.
Variant type: single nucleotide variant.
Coding change: c.2819C>A on transcript NM_000393.5 (MANE Select); coding-DNA position 2819, C replaced by A.
Protein change: p.Pro940His; replaces proline 940 with histidine.
Molecular consequence: missense variant.
Genome position (GRCh38, 1-based): chr2:189,051,432, G>T on the plus strand (C>A on the coding strand, the complement: COL5A2 is on the minus strand). VCF-style: chr2-189051432-G-T. GRCh37 (hg19) VCF-style: chr2-189916158-G-T.
Other names: short protein forms P940H.
Identifiers: ClinVar variation 3901919 (VCV003901919.1).
Genomic context (GRCh38, chr2:189,051,432, plus strand): 5'-CCAGCTGGTCCTCGATCTCCCACACGCCCATGAGAGCCAGGGTCCCCACGAAGACCTGGA[G>T]GTCCCTCCTTCCCGGGTTCCCCTAGGGGTCCCGCAGGTCCTGGAGCTCCCTAGTATAACA-3'
Protein context (NP_000384.2, residues 930-950): GPLGEPGKEG[Pro940His]PGLRGDPGSH

ClinVar aggregate classification (germline): Uncertain significance (1 of 4 stars; one submission).

Conditions:
Ehlers-Danlos syndrome, classic type, 2 (EDSCL2). Also called: Ehlers-Danlos syndrome, type 2; Ehlers-Danlos Syndrome, Classic Type, COL5A2-Related; Ehlers-Danlos syndrome type 2 (formerly). Identifiers: Orphanet 287, Orphanet 90318, MedGen C0268336, MONDO:0019568, OMIM 130010.

Submission:

Laboratorio de Genetica e Diagnostico Molecular, Hospital Israelita Albert Einstein
Classification: Uncertain significance for Ehlers-Danlos syndrome, classic type, 2. Last evaluated: 2025-04-30. Review status: criteria provided, single submitter. Criteria: ACMG Guidelines, 2015. Collection method: clinical testing. Allele origin: germline. Affected: yes.
Comment: ACMG classification criteria: PM2 supporting, PP2 supporting